The following is an entry in ClinVar:

ClinVar aggregate classification (germline): Uncertain significance. Review status: criteria provided, multiple submitters, no conflicts (2 of 4 stars). 3 submissions from 3 submitters: Uncertain significance (3). Last evaluated 2026-04-06.

Allele frequency attached by ClinVar (database versions not stated): gnomAD 0.00001; gnomAD exomes 0.00001; TOPMed 0.00001.
gnomAD v4.1: 16 of 1,613,944 alleles (0.00099%); highest among the groups gnomAD compares: Non-Finnish European, 0.0014%; no homozygotes.

Submissions (3):

Women's Health and Genetics/Laboratory Corporation of America, LabCorp
Classification: Uncertain significance. Last evaluated: 2026-04-06. Review status: criteria provided, single submitter. Criteria: LabCorp Variant Classification Summary - May 2015. Collection method: clinical testing. Allele origin: germline.
Comment: Variant summary: C1S c.650C>A (p.Thr217Asn) results in a non-conservative amino acid change in the encoded protein sequence. Algorithms developed to predict the effect of missense changes on protein structure and function are either unavailable or do not agree on the potential impact of this missense change. The variant allele was found at a frequency of 8e-06 in 251482 control chromosomes. The available data on variant occurrences in the general population are insufficient to allow any conclusion about variant significance. To our knowledge, no occurrence of c.650C>A in individuals affected with C1S-related conditions and no experimental evidence demonstrating its impact on protein function have been reported. ClinVar contains an entry for this variant (Variation ID: 444282). Based on the evidence outlined above, the variant was classified as uncertain significance.

Labcorp Genetics (formerly Invitae), Labcorp
Classification: Uncertain significance. Last evaluated: 2025-01-20. Review status: criteria provided, single submitter. Criteria: Invitae Variant Classification Sherloc (09022015). Collection method: clinical testing. Allele origin: germline.
Comment: This sequence change replaces threonine, which is neutral and polar, with asparagine, which is neutral and polar, at codon 217 of the C1S protein (p.Thr217Asn). This variant is present in population databases (rs782489860, gnomAD 0.002%). This variant has not been reported in the literature in individuals affected with C1S-related conditions. ClinVar contains an entry for this variant (Variation ID: 444282). Invitae Evidence Modeling of protein sequence and biophysical properties (such as structural, functional, and spatial information, amino acid conservation, physicochemical variation, residue mobility, and thermodynamic stability) indicates that this missense variant is not expected to disrupt C1S protein function with a negative predictive value of 80%. In summary, the available evidence is currently insufficient to determine the role of this variant in disease. Therefore, it has been classified as a Variant of Uncertain Significance.

CeGaT Center for Human Genetics Tuebingen
Classification: Uncertain significance. Last evaluated: 2017-04-01. Review status: criteria provided, single submitter. Criteria: CeGaT Center For Human Genetics Tuebingen Variant Classification Criteria Version 2. Collection method: clinical testing. Allele origin: germline. Affected: yes. Observed: 1 variant allele.

NM_001734.5(C1S):c.650C>A (p.Thr217Asn)

Gene: C1S (complement C1s; plus strand). Cytogenetic location: 12p13.31.
Variant type: single nucleotide variant.
Coding change: c.650C>A on transcript NM_001734.5 (MANE Select); coding-DNA position 650, C replaced by A.
Protein change: p.Thr217Asn; replaces threonine 217 with asparagine.
Molecular consequence: missense variant.
Genome position (GRCh38, 1-based): chr12:7,065,232, C>A. VCF-style: chr12-7065232-C-A. GRCh37 (hg19) VCF-style: chr12-7172536-C-A.
Other names: c.149C>A, p.Thr50Asn (NM_001346850.2); c.650C>A, p.Thr217Asn (NM_201442.4); short protein forms T217N, T50N.
Identifiers: ClinVar variation 444282 (VCV000444282.48), dbSNP rs782489860, ClinGen allele CA232452193.